The following is an entry in ClinVar:

NM_194292.3(SASS6):c.889del (p.Leu297fs)

Gene: SASS6 (SAS-6 centriolar assembly protein; minus strand). Cytogenetic location: 1p21.2.
Variant type: Deletion.
Coding change: c.889del on transcript NM_194292.3 (MANE Select); coding-DNA position 889, one base deleted (C; older notation c.889delC).
Protein change: p.Leu297fs; shifts the reading frame from leucine 297.
Molecular consequence: frameshift variant.
Genome position (GRCh38, 1-based): chr1:100,107,977, G deleted on the plus strand (C on the coding strand, the reverse complement: SASS6 is on the minus strand); the first of 2 consecutive G bases (chr1:100,107,977-100,107,978); deleting either gives the same sequence. VCF-style (leftmost placement, unchanged base first): chr1-100107976-AG-A. GRCh37 (hg19) VCF-style: chr1-100573532-AG-A.
Other names: c.388del, p.Leu130fs (NM_001304829.2); short protein forms L130fs, L297fs.
Identifiers: ClinVar variation 4989536 (VCV004989536.1).

ClinVar aggregate classification (germline): Likely pathogenic (1 of 4 stars; one submission).

Conditions:
SASS6-related disorder. Also called: SASS6-related condition.

Submission:

PreventionGenetics, part of Exact Sciences
Classification: Likely pathogenic for SASS6-related condition. Last evaluated: 2025-11-04. Review status: criteria provided, single submitter. Criteria: ACMG Guidelines, 2015. Collection method: clinical testing. Allele origin: germline.
Comment: The SASS6 c.889delC variant is predicted to result in a frameshift and premature protein termination (p.Leu297Serfs*10). To our knowledge, this variant has not been reported in the literature or in a large population database (gnomAD), indicating this variant is rare. Another loss of function variant (c.1186dup, p.Thr396fs) has been interpreted as pathogenic in this gene in ClinVar in an individual who also had microcephaly and lissencephaly (Variation ID: 521498). This variant is interpreted as likely pathogenic.